The following is an entry in ClinVar:

ClinVar aggregate classification (germline): Conflicting classifications of pathogenicity. Review status: criteria provided, conflicting classifications (1 of 4 stars). 4 submissions from 4 submitters: Uncertain significance (3); Likely benign (1). Last evaluated 2025-11-12.

Conditions:
Anterior segment dysgenesis 3 (ASGD3). Also called: IRIDOGONIODYSGENESIS ANOMALY, AUTOSOMAL DOMINANT; Glaucoma iridogoniodysplasia, familial. Identifiers: Orphanet 91483, MedGen C5975707, MONDO:0024456, OMIM 601631.
Axenfeld-Rieger syndrome type 3 (RIEG3). Also called: AXENFELD-RIEGER ANOMALY WITH CARDIAC DEFECTS AND/OR SENSORINEURAL HEARING LOSS. Identifiers: Orphanet 782, MedGen C2678503, MONDO:0011233, OMIM 602482.
FOXC1-related disorder. Also called: FOXC1-related condition.

Submissions (4):

PreventionGenetics, part of Exact Sciences
Classification: Uncertain significance for FOXC1-related condition. Last evaluated: 2025-11-12. Review status: criteria provided, single submitter. Criteria: ACMG Guidelines, 2015. Collection method: clinical testing. Allele origin: germline.
Comment: The FOXC1 c.553_555delGAG variant is predicted to result in an in-frame deletion (p.Glu185del). This variant was reported in an individual with primary open angle glaucoma (Reported as c.553_555del, Patient G378 in Huang et al. 2015. PubMed ID: 26310487) and in a patient with double outlet right ventricle (Reported as c.548_550del in Ye et al. 2023. PubMed ID: 37406974). Other in-frame deletions in this region (c.516_518del, c.556_558delAAG) have been reported in patients with features of FOXC1-related disorders (Wang et al. 2021. PubMed ID: 34809627; Chen et al. 2024. PubMed ID: 38924312). This variant is reported in 0.041% of alleles in individuals of East Asian descent in gnomAD. Although we suspect that this variant may be benign, at this time, the clinical significance of this variant is uncertain due to the absence of conclusive functional and genetic evidence.

Labcorp Genetics (formerly Invitae), Labcorp
Classification: Uncertain significance for Axenfeld-Rieger syndrome type 3. Last evaluated: 2025-10-21. Review status: criteria provided, single submitter. Criteria: Invitae Variant Classification Sherloc (09022015). Collection method: clinical testing. Allele origin: germline.
Comment: This variant, c.553_555del, results in the deletion of 1 amino acid(s) of the FOXC1 protein (p.Glu185del), but otherwise preserves the integrity of the reading frame. This variant is present in population databases (rs774823663, gnomAD 0.04%), and has an allele count higher than expected for a pathogenic variant. This variant has not been reported in the literature in individuals affected with FOXC1-related conditions. Experimental studies and prediction algorithms are not available or were not evaluated, and the functional significance of this variant is currently unknown. In summary, the available evidence is currently insufficient to determine the role of this variant in disease. Therefore, it has been classified as a Variant of Uncertain Significance.

Fulgent Genetics
Classification: Uncertain significance for Anterior segment dysgenesis 3; Axenfeld-Rieger syndrome type 3. Last evaluated: 2024-05-31. Review status: criteria provided, single submitter. Criteria: ACMG Guidelines, 2015. Collection method: clinical testing. Allele origin: germline.

Blueprint Genetics
Classification: Likely benign. Last evaluated: 2024-05-29. Review status: criteria provided, single submitter. Criteria: ACMG Guidelines, 2015. Collection method: clinical testing. Allele origin: germline.

NM_001453.3(FOXC1):c.550GAG[1] (p.Glu185del)

Gene: FOXC1 (forkhead box C1; plus strand). Cytogenetic location: 6p25.3.
Variant type: Microsatellite.
Coding change: c.550GAG[1] on transcript NM_001453.3 (MANE Select); one copy of the 3-base unit GAG starting at c.550; the reference has two copies in a row; one copy, 3 bases deleted; also written c.553_555del.
Protein change: p.Glu185del; deletes glutamic acid 185.
Molecular consequence: inframe deletion.
Genome position (GRCh38, 1-based): chr6:1,610,998-1,611,000, GAG deleted; deleting any 3 consecutive bases within chr6:1,610,993-1,611,000 gives the same sequence; the position shown is the placement nearest the transcript's 3' end. VCF-style (leftmost placement, unchanged base first): chr6-1610992-AAGG-A. GRCh37 (hg19) VCF-style: chr6-1611227-AAGG-A.
Other names: c.553_555del (NM_001453.3); c.553_555delGAG (NM_001453.2); short protein forms E185del.
Identifiers: ClinVar variation 1365113 (VCV001365113.12), dbSNP rs774823663, ClinGen allele CA3614776.
Genomic context (GRCh38, chr6:1,610,992, plus strand): 5'-GAGAACGGCAGCTTCCTGCGGCGGCGGCGGCGCTTCAAGAAGAAGGACGCGGTGAAGGAC[AAGG>A]AGGAGAAGGACAGGCTGCACCTCAAGGAGCCGCCCCCGCCCGGCCGCCAGCCCCCGCCCG-3'